The following is an entry in ClinVar:

NM_000489.6(ATRX):c.6504+3A>G

Gene: ATRX (ATRX chromatin remodeler; minus strand). Cytogenetic location: Xq21.1.
Variant type: single nucleotide variant.
Coding change: c.6504+3A>G on transcript NM_000489.6 (MANE Select); 3 bases into the intron after coding-DNA position 6504, A replaced by G.
Molecular consequence: intron variant.
Genome position (GRCh38, 1-based): chrX:77,558,666, T>C on the plus strand (A>G on the coding strand, the complement: ATRX is on the minus strand). VCF-style: chrX-77558666-T-C. GRCh37 (hg19) VCF-style: chrX-76814137-T-C.
Other names: c.6390+3A>G (NM_138270.5).
Identifiers: ClinVar variation 2754056 (VCV002754056.3), dbSNP rs1425466456, ClinGen allele CA2694140232.

ClinVar aggregate classification (germline): Uncertain significance (1 of 4 stars; one submission).

Conditions:
Alpha thalassemia-X-linked intellectual disability syndrome (ATRX). Also called: ALPHA-THALASSEMIA/MENTAL RETARDATION SYNDROME, X-LINKED; ATR, NONDELETION TYPE; ATR-X syndrome; Alpha thalassemia mental retardation syndrome, nondeletion type, X-linked; XLMR hypotonic face syndrome; X-linked alpha-thalassemia-mental retardation syndrome. Identifiers: Orphanet 847, MedGen C1845055, MONDO:0010519, OMIM 301040.

Allele frequency attached by ClinVar (database versions not stated): gnomAD exomes below 0.00001.
gnomAD v4.1: 4 of 1,182,696 alleles (0.00034%); highest among the groups gnomAD compares: Non-Finnish European, 0.00034%; no homozygotes.

Submission:

Labcorp Genetics (formerly Invitae), Labcorp
Classification: Uncertain significance for Alpha thalassemia-X-linked intellectual disability syndrome. Last evaluated: 2023-11-06. Review status: criteria provided, single submitter. Criteria: Invitae Variant Classification Sherloc (09022015). Collection method: clinical testing. Allele origin: germline.
Comment: This sequence change falls in intron 29 of the ATRX gene. It does not directly change the encoded amino acid sequence of the ATRX protein. It affects a nucleotide within the consensus splice site. This variant is not present in population databases (gnomAD no frequency). This variant has not been reported in the literature in individuals affected with ATRX-related conditions. Variants that disrupt the consensus splice site are a relatively common cause of aberrant splicing (PMID: 17576681, 9536098). Algorithms developed to predict the effect of sequence changes on RNA splicing suggest that this variant is not likely to affect RNA splicing. In summary, the available evidence is currently insufficient to determine the role of this variant in disease. Therefore, it has been classified as a Variant of Uncertain Significance.

Literature cited by the submitters: PubMed 17576681; PubMed 9536098.